The following is an entry in ClinVar:

NM_000059.4(BRCA2):c.3326del (p.Ala1109fs)

Gene: BRCA2 (BRCA2 DNA repair associated; plus strand). Cytogenetic location: 13q13.1.
Variant type: Deletion.
Coding change: c.3326del on transcript NM_000059.4 (MANE Select); coding-DNA position 3326, one base deleted (C; older notation c.3326delC).
Protein change: p.Ala1109fs; shifts the reading frame from alanine 1109.
Molecular consequence: frameshift variant.
Genome position (GRCh38, 1-based): chr13:32,337,681, C deleted. VCF-style (leftmost placement, unchanged base first): chr13-32337680-GC-G. GRCh37 (hg19) VCF-style: chr13-32911817-GC-G.
Other names: 3554delC; c.3326delC (NM_000059.3); short protein forms A1109fs.
Identifiers: ClinVar variation 91797 (VCV000091797.13), dbSNP rs398122762, ClinGen allele CA017791.

ClinVar aggregate classification (germline): Pathogenic. Review status: reviewed by expert panel (3 of 4 stars). 5 submissions from 5 submitters: Pathogenic (1). 4 of the submissions do not count toward it. Last evaluated 2016-09-08.

Conditions:
Hereditary breast ovarian cancer syndrome. Also called: Breast and ovarian cancer; Hereditary breast and ovarian cancer; Hereditary breast and ovarian cancer syndrome; BRCA1- and BRCA2-Associated Hereditary Breast and Ovarian Cancer; Hereditary breast and ovarian cancer syndrome (HBOC); Hereditary breast and/or ovarian cancer syndrome. Identifiers: Orphanet 145, MedGen C0677776, MeSH D061325, MONDO:0003582. Disease mechanism: loss of function.
Hereditary cancer-predisposing syndrome. Also called: Tumor predisposition; Hereditary Cancer Syndrome; Neoplastic Syndromes, Hereditary; Hereditary neoplastic syndrome. Identifiers: Orphanet 140162, MedGen C0027672, MeSH D009386, MONDO:0015356.
Breast-ovarian cancer, familial, susceptibility to, 2 (BROVCA2). Also called: BRCA2 Hereditary Breast and Ovarian Cancer. Identifiers: Orphanet 145, MedGen C2675520, MONDO:0012933, OMIM 612555. Disease mechanism: loss of function.

Submissions (5):

Evidence-based Network for the Interpretation of Germline Mutant Alleles (ENIGMA)
Classification: Pathogenic for Breast-ovarian cancer, familial, susceptibility to, 2. Last evaluated: 2016-09-08. Review status: reviewed by expert panel. Criteria: ENIGMA BRCA1/2 Classification Criteria (2015). Collection method: curation. Allele origin: germline.
Comment: Variant allele predicted to encode a truncated non-functional protein.

Labcorp Genetics (formerly Invitae), Labcorp
Classification: Pathogenic for Hereditary breast ovarian cancer syndrome. Last evaluated: 2025-04-30. Review status: criteria provided, single submitter. Criteria: Invitae Variant Classification Sherloc (09022015). Collection method: clinical testing. Allele origin: germline. Not counted in ClinVar's aggregate classification.
Comment: This sequence change creates a premature translational stop signal (p.Ala1109Glufs*10) in the BRCA2 gene. It is expected to result in an absent or disrupted protein product. Loss-of-function variants in BRCA2 are known to be pathogenic (PMID: 20104584). This variant is not present in population databases (gnomAD no frequency). This premature translational stop signal has been observed in individual(s) with BRCA2-related conditions (PMID: 21520333). ClinVar contains an entry for this variant (Variation ID: 91797). For these reasons, this variant has been classified as Pathogenic.

Ambry Genetics
Classification: Pathogenic for Hereditary cancer-predisposing syndrome. Last evaluated: 2023-01-03. Review status: criteria provided, single submitter. Criteria: Ambry Variant Classification Scheme 2023. Collection method: clinical testing. Allele origin: germline. Not counted in ClinVar's aggregate classification.
Comment: The c.3326delC pathogenic mutation, located in coding exon 10 of the BRCA2 gene, results from a deletion of one nucleotide at nucleotide position 3326, causing a translational frameshift with a predicted alternate stop codon (p.A1109Efs*10). This variant is considered to be rare based on population cohorts in the Genome Aggregation Database (gnomAD). This alteration is expected to result in loss of function by premature protein truncation or nonsense-mediated mRNA decay. As such, this alteration is interpreted as a disease-causing mutation.

Women's Health and Genetics/Laboratory Corporation of America, LabCorp
Classification: Pathogenic for Hereditary breast and ovarian cancer syndrome. Last evaluated: 2019-12-20. Review status: criteria provided, single submitter. Criteria: LabCorp Variant Classification Summary - May 2015. Collection method: clinical testing. Allele origin: germline. Not counted in ClinVar's aggregate classification.
Comment: Variant summary: BRCA2 c.3326delC (p.Ala1109GlufsX10) results in a premature termination codon, predicted to cause a truncation of the encoded protein or absence of the protein due to nonsense mediated decay, which are commonly known mechanisms for disease. Truncations downstream of this position have been classified as pathogenic by our laboratory (eg. c.3365delG (p.Gly1122fsX28), c.3450dupT (p.Ile1151fsX7)). The variant was absent in 238854 control chromosomes (gnomAD). To our knowledge, no occurrence of c.3326delC in individuals affected with Hereditary Breast and Ovarian Cancer and no experimental evidence demonstrating its impact on protein function have been reported. Two submitters, including one expert panel (ENIGMA) have provided clinical-significance assessments for this variant in ClinVar after 2014 and classified the variant as pathogenic. Based on the evidence outlined above, the variant was classified as pathogenic.

Sharing Clinical Reports Project (SCRP)
Classification: Pathogenic for Breast-ovarian cancer, familial 2. Last evaluated: 2008-06-09. Review status: no assertion criteria provided. Collection method: clinical testing. Allele origin: germline. Not counted in ClinVar's aggregate classification.

Literature cited by the submitters: PubMed 20104584 (cited by Labcorp Genetics (formerly Invitae), Labcorp); PubMed 21520333 (cited by Labcorp Genetics (formerly Invitae), Labcorp).